The following is an entry in ClinVar:

NM_012210.4(TRIM32):c.-5G>A

Genes: ASTN2 (astrotactin 2; minus strand), TRIM32 (tripartite motif containing 32; plus strand). Cytogenetic location: 9q33.1.
Variant type: single nucleotide variant.
Coding change: c.-5G>A on transcript NM_012210.4 (MANE Select); 5 bases upstream of the start codon, G replaced by A.
Molecular consequence: 5 prime UTR variant. On other transcripts: intron variant (3).
Genome position (GRCh38, 1-based): chr9:116,697,738, G>A. VCF-style: chr9-116697738-G-A. GRCh37 (hg19) VCF-style: chr9-119460017-G-A.
Other names: c.-5G>A (NM_001099679.2, NM_001379048.1, NM_001379049.1 and 1 more transcripts); c.2653+28033C>T (NM_014010.5); c.2794+28033C>T (NM_001365069.1); c.2806+28033C>T (NM_001365068.1).
Identifiers: ClinVar variation 282304 (VCV000282304.7), dbSNP rs774975492, ClinGen allele CA5210882.

ClinVar aggregate classification (germline): Uncertain significance. Review status: criteria provided, single submitter (1 of 4 stars). 2 submissions from 2 submitters: Uncertain significance (1). 1 of the submissions does not count toward it. Last evaluated 2015-09-10.

Conditions:
TRIM32-related disorder. Also called: TRIM32-related condition.

Allele frequency attached by ClinVar (database versions not stated): gnomAD 0.00003; TOPMed 0.00007; ExAC 0.00012.
gnomAD v4.1: 34 of 1,613,732 alleles (0.0021%); highest among the groups gnomAD compares: East Asian, 0.067%; no homozygotes.

Submissions (2):

Eurofins Ntd Llc (ga)
Classification: Uncertain significance. Last evaluated: 2015-09-10. Review status: criteria provided, single submitter. Criteria: EGL Classification Definitions 2015. Collection method: clinical testing. Allele origin: germline. Observed: 1 variant allele, 1 heterozygote.

PreventionGenetics, part of Exact Sciences
Classification: Likely benign for TRIM32-related condition. Last evaluated: 2020-01-28. Review status: no assertion criteria provided. Collection method: clinical testing. Allele origin: germline. Not counted in ClinVar's aggregate classification.
Comment: This variant is classified as likely benign based on ACMG/AMP sequence variant interpretation guidelines (Richards et al. 2015 PMID: 25741868, with internal and published modifications).